The following is an entry in ClinVar:

ClinVar aggregate classification (germline): Benign/Likely benign. Review status: criteria provided, multiple submitters, no conflicts (2 of 4 stars). 3 submissions from 3 submitters: Benign (1); Likely benign (1). 1 of the submissions does not count toward it. Last evaluated 2025-09-17.

Conditions:
Treacher Collins syndrome 1 (TCS1). Also called: TCOF1-Related Treacher Collins Syndrome. Identifiers: Orphanet 861, MedGen CN315775, MONDO:0007944, OMIM 154500.
TCOF1-related disorder. Also called: TCOF1-related condition.

Allele frequency attached by ClinVar (database versions not stated): gnomAD 0.00026 and 0.00028; ESP Exome Variant Server 0.00031; TOPMed 0.00031; gnomAD exomes 0.00039 and 0.00047; ExAC 0.00058.
gnomAD v4.1: 722 of 1,612,768 alleles (0.045%); highest among the groups gnomAD compares: Non-Finnish European, 0.057%; no homozygotes.

Submissions (3):

Labcorp Genetics (formerly Invitae), Labcorp
Classification: Likely benign for Treacher Collins syndrome 1. Last evaluated: 2025-09-17. Review status: criteria provided, single submitter. Criteria: Invitae Variant Classification Sherloc (09022015). Collection method: clinical testing. Allele origin: germline.

GeneDx
Classification: Benign. Last evaluated: 2020-08-12. Review status: criteria provided, single submitter. Criteria: GeneDx Variant Classification Process June 2021. Collection method: clinical testing. Allele origin: germline. Affected: yes.

PreventionGenetics, part of Exact Sciences
Classification: Likely benign for TCOF1-related condition. Last evaluated: 2022-03-11. Review status: no assertion criteria provided. Collection method: clinical testing. Allele origin: germline. Not counted in ClinVar's aggregate classification.
Comment: This variant is classified as likely benign based on ACMG/AMP sequence variant interpretation guidelines (Richards et al. 2015 PMID: 25741868, with internal and published modifications).

NM_001371623.1(TCOF1):c.1547C>T (p.Pro516Leu)

Gene: TCOF1 (treacle ribosome biogenesis factor 1; plus strand). Cytogenetic location: 5q32.
Variant type: single nucleotide variant.
Coding change: c.1547C>T on transcript NM_001371623.1 (MANE Select); coding-DNA position 1547, C replaced by T.
Protein change: p.Pro516Leu; replaces proline 516 with leucine.
Molecular consequence: missense variant.
Genome position (GRCh38, 1-based): chr5:150,375,397, C>T. VCF-style: chr5-150375397-C-T. GRCh37 (hg19) VCF-style: chr5-149754960-C-T.
Other names: c.1316C>T, p.Pro439Leu (NM_000356.4, NM_001135245.2); c.1547C>T, p.Pro516Leu (NM_001008657.3, NM_001135243.2, NM_001135244.2 and 1 more transcripts); short protein forms P439L, P516L.
Identifiers: ClinVar variation 1278925 (VCV001278925.8), dbSNP rs138645438, ClinGen allele CA3510915.